The following is an entry in ClinVar:

ClinVar aggregate classification (germline): Uncertain significance (1 of 4 stars; one submission).

Submission:

Women's Health and Genetics/Laboratory Corporation of America, LabCorp
Classification: Uncertain significance. Last evaluated: 2025-11-12. Review status: criteria provided, single submitter. Criteria: LabCorp Variant Classification Summary - May 2015. Collection method: clinical testing. Allele origin: germline.
Comment: Variant summary: SETBP1 c.4398_4400delGGA (p.Glu1466del) results in an in-frame deletion that is predicted to remove one amino acid from the encoded protein. The variant was absent in 233302 control chromosomes. The available data on variant occurrences in the general population are insufficient to allow any conclusion about variant significance. To our knowledge, no occurrence of c.4398_4400delGGA in individuals affected with SETBP1-related conditions and no experimental evidence demonstrating its impact on protein function have been reported. No submitters have cited clinical-significance assessments for this variant to ClinVar. Based on the evidence outlined above, the variant was classified as uncertain significance.

NM_015559.3(SETBP1):c.4398_4400del (p.Glu1466del)

Gene: SETBP1 (SET binding protein 1; plus strand). Cytogenetic location: 18q12.3.
Variant type: Deletion.
Coding change: c.4398_4400del on transcript NM_015559.3 (MANE Select); coding-DNA positions 4398 to 4400, 3 bases deleted (GGA; older notation c.4398_4400delGGA).
Protein change: p.Glu1466del; deletes glutamic acid 1466.
Genome position (GRCh38, 1-based): chr18:45,063,305-45,063,307, GGA deleted; deleting any 3 consecutive bases within chr18:45,063,303-45,063,307 gives the same sequence; the c. name uses the placement nearest the transcript's 3' end. VCF-style (leftmost placement, unchanged base first): chr18-45063302-TGAG-T. GRCh37 (hg19) VCF-style: chr18-42643267-TGAG-T.
Other names: c.4398_4400del, p.Glu1466del (NM_001379141.1, NM_001379142.1); c.4227_4229del, p.Glu1409del (NM_001410862.1); c.4398_4400delGGA (NM_015559.3); short protein forms E1409del, E1466del.
Identifiers: ClinVar variation 4536789 (VCV004536789.1).